The following is an entry in ClinVar:

NM_024649.5(BBS1):c.1261C>T (p.Gln421Ter)

Genes: ZDHHC24 (zDHHC palmitoyltransferase 24; minus strand), BBS1 (Bardet-Biedl syndrome 1; plus strand). Cytogenetic location: 11q13.2.
Variant type: single nucleotide variant.
Coding change: c.1261C>T on transcript NM_024649.5 (MANE Select); coding-DNA position 1261, C replaced by T.
Protein change: p.Gln421Ter; replaces glutamine 421 with a stop codon.
Molecular consequence: nonsense. On other transcripts: intron variant (1).
Genome position (GRCh38, 1-based): chr11:66,526,729, C>T. VCF-style: chr11-66526729-C-T. GRCh37 (hg19) VCF-style: chr11-66294200-C-T.
Other names: c.*21+207G>A (NM_001348571.2); c.1261C>T (NM_024649.4); short protein forms Q421*.
Identifiers: ClinVar variation 1074693 (VCV001074693.9), dbSNP rs1856520165, ClinGen allele CA381422701.
Genomic context (GRCh38, chr11:66,526,729, plus strand): 5'-ATCCTGAAGCGTACAGCAGTGTTTGTAGAGGGAGGAAGTGAGGTGGGTCCCCCACCAGCC[C>T]AGGCCATGAAACTCAATGTGCCCCGAAAGACCCGGCTTTACGTGGATCAGACACTGCGAG-3'

ClinVar aggregate classification (germline): Pathogenic/Likely pathogenic. Review status: criteria provided, multiple submitters, no conflicts (2 of 4 stars). 4 submissions from 4 submitters: Pathogenic (1); Likely pathogenic (3). Last evaluated 2025-04-30.

Conditions:
BBS1-related disorder. Also called: BBS1-related condition.
Bardet-Biedl syndrome 1 (BBS1). Identifiers: MedGen C2936862, MONDO:0008854, OMIM 209900. Disease mechanism: loss of function.
Bardet-Biedl syndrome (BBS). Identifiers: Orphanet 110, MedGen C0752166, MONDO:0015229.

Allele frequency attached by ClinVar (database versions not stated): gnomAD exomes below 0.00001.
gnomAD v4.1: 1 of 1,614,216 alleles (0.000062%); highest among the groups gnomAD compares: Non-Finnish European, 0.000085%; no homozygotes.

Submissions (4):

PreventionGenetics, part of Exact Sciences
Classification: Likely pathogenic for BBS1-related condition. Last evaluated: 2025-04-30. Review status: criteria provided, single submitter. Criteria: ACMG Guidelines, 2015. Collection method: clinical testing. Allele origin: germline.
Comment: The BBS1 c.1261C>T variant is predicted to result in premature protein termination (p.Gln421*). To our knowledge this variant is not reported in the literature. This variant has not been reported in a large population database (gnomAD), indicating this variant is rare. Nonsense variants in BBS1 are expected to be pathogenic. This variant is interpreted as likely pathogenic.

Natera, Inc.
Classification: Likely pathogenic for Bardet-Biedl syndrome type 1. Last evaluated: 2024-09-16. Review status: criteria provided, single submitter. Criteria: Natera Variant Classification Schema (03/2026). Collection method: clinical testing. Allele origin: germline.
Comment: The c.1261C>T variant in BBS1 is a nonsense variant predicted to introduce a stop codon at amino acid 421. This variant is expected to result in nonsense mediated decay, truncation, or a dysfunctional protein product. This variant is rare in the general population with a frequency below the threshold expected for the associated phenotype(s). Given the available evidence, this variant is classified as Likely Pathogenic.

Fulgent Genetics
Classification: Likely pathogenic for Bardet-Biedl syndrome 1. Last evaluated: 2024-06-04. Review status: criteria provided, single submitter. Criteria: ACMG Guidelines, 2015. Collection method: clinical testing. Allele origin: germline.

Labcorp Genetics (formerly Invitae), Labcorp
Classification: Pathogenic for Bardet-Biedl syndrome. Last evaluated: 2024-02-01. Review status: criteria provided, single submitter. Criteria: Invitae Variant Classification Sherloc (09022015). Collection method: clinical testing. Allele origin: germline.
Comment: This sequence change creates a premature translational stop signal (p.Gln421*) in the BBS1 gene. It is expected to result in an absent or disrupted protein product. Loss-of-function variants in BBS1 are known to be pathogenic (PMID: 12118255, 21520335, 27032803). This variant is not present in population databases (gnomAD no frequency). This variant has not been reported in the literature in individuals affected with BBS1-related conditions. ClinVar contains an entry for this variant (Variation ID: 1074693). For these reasons, this variant has been classified as Pathogenic.

Literature cited by the submitters: PubMed 12118255 (cited by Labcorp Genetics (formerly Invitae), Labcorp); PubMed 21520335 (cited by Labcorp Genetics (formerly Invitae), Labcorp); PubMed 27032803 (cited by Labcorp Genetics (formerly Invitae), Labcorp).